The following is an entry in ClinVar:

NM_001025356.3(ANO6):c.2656A>G (p.Met886Val)

Gene: ANO6 (anoctamin 6; plus strand). Cytogenetic location: 12q12.
Variant type: single nucleotide variant.
Coding change: c.2656A>G on transcript NM_001025356.3 (MANE Select); coding-DNA position 2656, A replaced by G.
Protein change: p.Met886Val; replaces methionine 886 with valine.
Molecular consequence: missense variant. On other transcripts: intron variant (1).
Genome position (GRCh38, 1-based): chr12:45,429,234, A>G. VCF-style: chr12-45429234-A-G. GRCh37 (hg19) VCF-style: chr12-45823017-A-G.
Other names: p.Met886Val; c.2602A>G, p.Met868Val (NM_001142678.2); c.2719A>G, p.Met907Val (NM_001204803.2); c.2623A>G, p.Met875Val (NM_001410973.1); c.2526+6172A>G (NM_001142679.2); c.2656A>G (NM_001025356.2); short protein forms M868V, M907V, M875V, M886V.
Identifiers: ClinVar variation 2039496 (VCV002039496.7), dbSNP rs59243955, ClinGen allele CA6525685.

ClinVar aggregate classification (germline): Benign/Likely benign. Review status: criteria provided, multiple submitters, no conflicts (2 of 4 stars). 3 submissions from 3 submitters: Benign (1); Likely benign (1). 1 of the submissions does not count toward it. Last evaluated 2026-02-01.

Conditions:
ANO6-related disorder. Also called: ANO6-related condition.

Allele frequency attached by ClinVar (database versions not stated): gnomAD exomes 0.00098; ExAC 0.00268; gnomAD 0.00809; ESP Exome Variant Server 0.00853; 1000 Genomes Project 30x 0.00874; TOPMed 0.00912; 1000 Genomes Project 0.00938.
gnomAD v4.1: 2,734 of 1,613,986 alleles (0.17%); highest among the groups gnomAD compares: African/African-American, 2.6%; 27 homozygotes.

Submissions (3):

Labcorp Genetics (formerly Invitae), Labcorp
Classification: Benign. Last evaluated: 2026-02-01. Review status: criteria provided, single submitter. Criteria: Invitae Variant Classification Sherloc (09022015). Collection method: clinical testing. Allele origin: germline.

Mayo Clinic Laboratories, Mayo Clinic
Classification: Likely benign. Last evaluated: 2024-01-29. Review status: criteria provided, single submitter. Criteria: ACMG Guidelines, 2015. Collection method: clinical testing. Allele origin: germline. Observed: 3 variant alleles.
Comment: BS1, BS2, BP4, PM1_supporting

PreventionGenetics, part of Exact Sciences
Classification: Benign for ANO6-related condition. Last evaluated: 2024-02-08. Review status: no assertion criteria provided. Collection method: clinical testing. Allele origin: germline. Not counted in ClinVar's aggregate classification.
Comment: This variant is classified as benign based on ACMG/AMP sequence variant interpretation guidelines (Richards et al. 2015 PMID: 25741868, with internal and published modifications).